The following continues an entry in ClinVar:

NM_004130.4(GYG1):c.304G>C (p.Asp102His)

Gene: GYG1. ClinVar aggregate classification (germline): Pathogenic/Likely pathogenic. Pathogenic (10); Likely pathogenic (9).

Submissions 13 to 28 of 28:

Molecular Genetics, Royal Melbourne Hospital
Classification: Pathogenic for Glycogen storage disease. Last evaluated: 2024-05-02. Review status: criteria provided, single submitter. Criteria: ACMG Guidelines, 2015. Collection method: clinical testing. Allele origin: germline. Inheritance: Autosomal recessive inheritance.
Comment: This sequence change in GYG1 is predicted to replace aspartic acid with histidine at codon 102, p.(Asp102His). The aspartic acid residue is highly conserved (100 vertebrates, UCSC), and is located in located in the highly conserved DxD motif, which is defined as a critical functional domain (PMID: 27718144). There is a moderate physicochemical difference between aspartic acid and histidine. The highest population minor allele frequency in the population database gnomAD v4.0 is 0.2% (2,750/1,179,730 alleles, 2 homozygotes) in the European (non-Finnish) population. This variant has been detected in at least six individuals with muscle glycogenin 1 deficiency. Of those individuals, three individuals were homozygous presenting with cardiomyopathy and three were compound heterozygous with a second pathogenic variant presenting with neuromuscular features (PMID: 25272951, 27718144, 31791869, 32477874). At least one patient with this variant displayed defective glycogenin-1 function in muscle biopsies after alpha-amylase treatment, which is highly specific for muscle glycogenin 1 deficiency (PMID: 27718144, 31791869). An in vitro functional assay with limited validation demonstrated the variant altered the autoglycosylation function of the protein (PMID: 27718144). Computational evidence predicts a deleterious effect for the missense substitution (REVEL = 0.942). Based on the classification scheme RMH Modified ACMG/AMP Guidelines v1.6.1, this variant is classified as PATHOGENIC. Following criteria are met: PM3_Strong, PM1, PP3_Moderate, PP4, PS3_Supporting.

Victorian Clinical Genetics Services, Murdoch Childrens Research Institute
Classification: Pathogenic for Glycogen storage disease XV. Last evaluated: 2023-07-17. Review status: criteria provided, single submitter. Criteria: ACMG Guidelines, 2015. Collection method: clinical testing. Allele origin: germline. Inheritance: Autosomal recessive inheritance.
Comment: Based on the classification scheme VCGS_Germline_v1.3.4, this variant is classified as Pathogenic. Following criteria are met: 0102 - Loss of function is a reported mechanism of disease in this gene and is associated with polyglucosan body myopathy 2 (MIM#616199) and glycogen storage disease XV (MIM#613507). (I) 0106 - This gene is associated with autosomal recessive disease. (I) 0115 - Variants in this gene are known to have variable expressivity. With multiple cases reporting abnormal glycogen storage, and varying muscular phenotypes, age of onset, and sometimes severe cardiac disorders (PMID: 31791869, PMID: 32477874). (I) 0200 - Variant is predicted to result in a missense amino acid change from aspartic acid to histidine. (I) 0251 - This variant is heterozygous. (I) 0304 - Variant is present in gnomAD (v2) <0.01 for a recessive condition (290 heterozygotes, 0 homozygotes). (SP) 0501 - Missense variant consistently predicted to be damaging by multiple in silico tools or highly conserved with a major amino acid change. (SP) 0600 - Variant is located in the annotated glycosyl transferase family 8 domain (DECIPHER). (I) 0801 - This variant has strong previous evidence of pathogenicity in unrelated individuals. This variant has been identified in at least six unrelated affected individuals (ClinVar, PMID:25272951, PMID:27718144, PMID: 31791869, PMID: 32477874). It has also been reported as a VUS in ClinVar, including one as a VUS favouring pathogenic and two without further information provided. (SP) 0906 - Segregation evidence for this variant is inconclusive. (I) 1001 - This variant has strong functional evidence supporting abnormal protein function. Functional studies from a homozygous individual demonstrated protein activity was abolished in cardiac muscle. (PMID:27718144). (SP) 1208 - Inheritance information for this variant is not currently available in this individual. (I) Legend: (SP) - Supporting pathogenic, (I) - Information, (SB) - Supporting benign

Baylor Genetics
Classification: Pathogenic for Glycogen storage disease XV. Last evaluated: 2022-03-23. Review status: criteria provided, single submitter. Criteria: ACMG Guidelines, 2015. Collection method: clinical testing. Allele origin: unknown.

Baylor Genetics
Classification: Pathogenic for Polyglucosan body myopathy type 2. Last evaluated: 2022-03-23. Review status: criteria provided, single submitter. Criteria: ACMG Guidelines, 2015. Collection method: clinical testing. Allele origin: unknown.

MGZ Medical Genetics Center
Classification: Likely pathogenic for Polyglucosan body myopathy type 2. Last evaluated: 2022-01-25. Review status: criteria provided, single submitter. Criteria: ACMG Guidelines, 2015. Collection method: clinical testing. Allele origin: germline. Affected: yes. Observed: 2 variant alleles.
Comment: ACMG criteria applied: PS3, PM3, PP3

Fulgent Genetics
Classification: Pathogenic for Glycogen storage disease XV; Polyglucosan body myopathy type 2. Last evaluated: 2018-10-31. Review status: criteria provided, single submitter. Criteria: ACMG Guidelines, 2015. Collection method: clinical testing. Allele origin: unknown.

Centre for Mendelian Genomics, University Medical Centre Ljubljana
Classification: Pathogenic for Polyglucosan body myopathy type 2. Last evaluated: 2016-01-01. Review status: criteria provided, single submitter. Criteria: ACMG Guidelines, 2015. Collection method: clinical testing. Allele origin: unknown. Affected: yes.
Comment: This variant was classified as: Pathogenic. The following ACMG criteria were applied in classifying this variant: PM2,PM3,PS1,PP3,PP4.

OMIM
Classification: Pathogenic for POLYGLUCOSAN BODY MYOPATHY 2. Last evaluated: 2014-12-01. Review status: no assertion criteria provided. Collection method: literature only. Allele origin: germline. Not counted in ClinVar's aggregate classification.

Dr. Peter K. Rogan Lab, Western University
No classification provided (evidence only). Condition: Melanoma. Review status: no classification provided. Collection method: in vitro. Allele origin: not applicable. Functional consequence: retained intron. Not counted in ClinVar's aggregate classification.

Dr. Peter K. Rogan Lab, Western University
No classification provided (evidence only). Condition: Familial cancer of breast. Review status: no classification provided. Collection method: in vitro. Allele origin: not applicable. Functional consequence: retained intron. Not counted in ClinVar's aggregate classification.

Dr. Peter K. Rogan Lab, Western University
No classification provided (evidence only). Condition: Thyroid cancer, nonmedullary, 1. Review status: no classification provided. Collection method: in vitro. Allele origin: not applicable. Functional consequence: skipped exon. Not counted in ClinVar's aggregate classification.

Dr. Peter K. Rogan Lab, Western University
No classification provided (evidence only). Condition: Sarcoma. Review status: no classification provided. Collection method: in vitro. Allele origin: not applicable. Functional consequence: retained intron. Not counted in ClinVar's aggregate classification.

Dr. Peter K. Rogan Lab, Western University
No classification provided (evidence only). Condition: Ovarian serous cystadenocarcinoma. Review status: no classification provided. Collection method: in vitro. Allele origin: not applicable. Functional consequence: retained intron. Not counted in ClinVar's aggregate classification.

Laboratory for Molecular Medicine, Mass General Brigham Personalized Medicine
Classification: Uncertain significance. Last evaluated: 2019-05-30. Review status: flagged submission. Criteria: LMM Criteria. Collection method: clinical testing. Allele origin: germline. Observed: 1 variant allele. Not counted in ClinVar's aggregate classification.
Comment: Variant classified as Uncertain Significance - Favor Pathogenic. The p.Asp102His variant in GYG1 has been reported in the compound heterozygous state in 1 individual with polyglucosan body myopathy and in the homozygous state in 3 individuals with cardiomyopathy and no muscle weakness but with abnormal glycogen storage as indicated by an endomyocardial biopsy (Malfatti 2014, Hedberg-Oldfors 2017). An in vitro functional study suggests that the p.Asp102His could cause defects in auto-glycosylation upon addition of UPD glucose, however, these types of assays may not accurately represent biological function (Malfatti 2014). This variant has also been reported by other clinical laboratories in ClinVar (Variation ID 162663) and has been identified in 0.18% (235/129154) of European chromosomes by gnomAD. Computational prediction tools and conservation analyses suggest that this variant may impact the protein, though this information is not predictive enough to determine pathogenicity. In summary, while there is some suspicion for a pathogenic role, the clinical significance of this variant is uncertain. ACMG/AMP criteria applied: PM3, PP3, PS3_Supporting, BS1_Supporting.
ClinVar note: Reason: Outlier claim with insufficient supporting evidence

Clinical Genetics DNA and cytogenetics Diagnostics Lab, Erasmus MC, Erasmus Medical Center
Classification: Uncertain significance. Review status: flagged submission. Collection method: clinical testing. Allele origin: germline. Affected: yes. Study: VKGL Data-share Consensus. Not counted in ClinVar's aggregate classification.
ClinVar note: Reason: Outlier claim with insufficient supporting evidence

Joint Genome Diagnostic Labs from Nijmegen and Maastricht, Radboudumc and MUMC+
Classification: Uncertain significance. Review status: flagged submission. Collection method: clinical testing. Allele origin: germline. Affected: yes. Study: VKGL Data-share Consensus. Not counted in ClinVar's aggregate classification.
ClinVar note: Reason: Outlier claim with insufficient supporting evidence

Literature cited by the submitters: PubMed 25272951 (cited by 9 submitters); PubMed 27718144 (cited by 8 submitters); PubMed 31791869 (cited by 4 submitters); PubMed 32477874 (cited by 4 submitters); PubMed 32528171 (cited by 3 submitters); PubMed 26944241 (cited by Women's Health and Genetics/Laboratory Corporation of America, LabCorp); PubMed 34426522 (cited by Mayo Clinic Laboratories, Mayo Clinic); PubMed 34662886 (cited by Mayo Clinic Laboratories, Mayo Clinic); PubMed 39679724 (cited by Mayo Clinic Laboratories, Mayo Clinic).